The following is an entry in ClinVar:

NM_000492.4(CFTR):c.3167T>C (p.Val1056Ala)

Genes: CFTR (CF transmembrane conductance regulator; plus strand), CFTR-AS2 (CFTR antisense RNA 2; minus strand), LOC111674472 (DNase I hypersensitive sites in introns 16 and 17a of CFTR; plus strand). Cytogenetic location: 7q31.2.
Variant type: single nucleotide variant.
Coding change: c.3167T>C on transcript NM_000492.4 (MANE Select); coding-DNA position 3167, T replaced by C.
Protein change: p.Val1056Ala; replaces valine 1056 with alanine.
Molecular consequence: missense variant.
Genome position (GRCh38, 1-based): chr7:117,611,608, T>C. VCF-style: chr7-117611608-T-C. GRCh37 (hg19) VCF-style: chr7-117251662-T-C.
Other names: short protein forms V1056A.
Identifiers: ClinVar variation 1331465 (VCV001331465.1), dbSNP rs2116084150, ClinGen allele CA368991905.

ClinVar aggregate classification (germline): Uncertain significance (1 of 4 stars; one submission).

Submission:

Women's Health and Genetics/Laboratory Corporation of America, LabCorp
Classification: Uncertain significance. Last evaluated: 2021-12-21. Review status: criteria provided, single submitter. Criteria: LabCorp Variant Classification Summary - May 2015. Collection method: clinical testing. Allele origin: germline.
Comment: Variant summary: CFTR c.3167T>C (p.Val1056Ala) results in a non-conservative amino acid change located in the ABC transporter type 1, transmembrane domain of the encoded protein sequence. Two of four in-silico tools predict a benign effect of the variant on protein function. The variant was absent in 250640 control chromosomes. The available data on variant occurrences in the general population are insufficient to allow any conclusion about variant significance. To our knowledge, no occurrence of c.3167T>C in individuals affected with Chronic Pancreatitis Risk or other CFTR-related disorder and no experimental evidence demonstrating its impact on protein function have been reported. No clinical diagnostic laboratories have submitted clinical-significance assessments for this variant to ClinVar after 2014. Based on the evidence outlined above, the variant was classified as uncertain significance.